The following is an entry in ClinVar:

ClinVar aggregate classification (germline): Uncertain significance (1 of 4 stars; one submission).

Allele frequency attached by ClinVar (database versions not stated): gnomAD exomes below 0.00001; ExAC 0.00001; TOPMed 0.00001; ESP Exome Variant Server 0.00008.
gnomAD v4.1: 1 of 1,614,014 alleles (0.000062%); highest among the groups gnomAD compares: Non-Finnish European, 0.000085%; no homozygotes.

Submission:

GeneDx
Classification: Uncertain significance. Last evaluated: 2023-02-08. Review status: criteria provided, single submitter. Criteria: GeneDx Variant Classification Process June 2021. Collection method: clinical testing. Allele origin: germline. Affected: yes.
Comment: Not observed at significant frequency in large population cohorts (gnomAD); In silico analysis supports that this missense variant has a deleterious effect on protein structure/function; Has not been previously published as pathogenic or benign to our knowledge

NM_002473.6(MYH9):c.5470G>A (p.Asp1824Asn)

Gene: MYH9 (myosin heavy chain 9; minus strand). Cytogenetic location: 22q12.3.
Variant type: single nucleotide variant.
Coding change: c.5470G>A on transcript NM_002473.6 (MANE Select); coding-DNA position 5470, G replaced by A.
Protein change: p.Asp1824Asn; replaces aspartic acid 1824 with asparagine.
Molecular consequence: missense variant.
Genome position (GRCh38, 1-based): chr22:36,285,134, C>T on the plus strand (G>A on the coding strand, the complement: MYH9 is on the minus strand). VCF-style: chr22-36285134-C-T. GRCh37 (hg19) VCF-style: chr22-36681180-C-T.
Other names: short protein forms D1824N.
Identifiers: ClinVar variation 2575569 (VCV002575569.1), dbSNP rs376154206, ClinGen allele CA10209053.
Genomic context (GRCh38, chr22:36,285,134, plus strand): 5'-AGTTTTTTCCAGGACAGCTGGGGTTGGGCGGGGCCAGGGGCACGTACTTGGTCTCGTTGT[C>T]CAGCTGCTCCTCCAGCTGTGCAATCTTGGCCTCGAGGGCGGTGATGGAGGCCTTGTACTT-3'
Protein context (NP_002464.1, residues 1814-1834): AKIAQLEEQL[Asp1824Asn]NETKERQAAC